The following is an entry in ClinVar:

NM_003172.4(SURF1):c.535dup (p.Arg179fs)

Gene: SURF1 (SURF1 cytochrome c oxidase assembly factor; minus strand). Cytogenetic location: 9q34.2.
Variant type: Duplication.
Coding change: c.535dup on transcript NM_003172.4 (MANE Select); coding-DNA position 535, one base duplicated (A; older notation c.535dupA).
Protein change: p.Arg179fs; shifts the reading frame from arginine 179.
Molecular consequence: frameshift variant.
Genome position (GRCh38, 1-based): chr9:133,352,747, T duplicated on the plus strand (A on the coding strand, the reverse complement: SURF1 is on the minus strand). VCF-style (leftmost placement, unchanged base first): chr9-133352746-C-CT. GRCh37 (hg19) VCF-style: chr9-136219601-C-CT.
Other names: c.208dup, p.Arg70fs (NM_001280787.1); c.535dupA (NM_003172.4); short protein forms R179fs, R70fs.
Identifiers: ClinVar variation 2835305 (VCV002835305.5), dbSNP rs1836465016, ClinGen allele CA1882634536.

ClinVar aggregate classification (germline): Pathogenic/Likely pathogenic. Review status: criteria provided, multiple submitters, no conflicts (2 of 4 stars). 2 submissions from 2 submitters: Pathogenic (1); Likely pathogenic (1). Last evaluated 2023-02-08.

Conditions:
Charcot-Marie-Tooth disease type 4K. Also called: CHARCOT-MARIE-TOOTH DISEASE, DEMYELINATING, AUTOSOMAL RECESSIVE, TYPE 4K; CHARCOT-MARIE-TOOTH NEUROPATHY, DEMYELINATING, AUTOSOMAL RECESSIVE, TYPE 4K; CHARCOT-MARIE-TOOTH DISEASE, DEMYELINATING, TYPE 4K. Identifiers: Orphanet 391351, MedGen C4225246, MONDO:0014733, OMIM 616684.
Leigh syndrome (NULS). Also called: Leigh's syndrome; Leigh's necrotizing encephalopathy; Leigh's disease; Leigh Syndrome (mtDNA deletion); Leigh Disease; Subacute necrotizing encephalopathy. Identifiers: Orphanet 506, MedGen C2931891, MONDO:0009723, OMIM 256000.

Allele frequency attached by ClinVar (database versions not stated): gnomAD exomes below 0.00001; TOPMed 0.00001.

Submissions (2):

Labcorp Genetics (formerly Invitae), Labcorp
Classification: Pathogenic for Leigh syndrome. Last evaluated: 2023-02-08. Review status: criteria provided, single submitter. Criteria: Invitae Variant Classification Sherloc (09022015). Collection method: clinical testing. Allele origin: germline.
Comment: For these reasons, this variant has been classified as Pathogenic. This premature translational stop signal has been observed in individual(s) with SURF1-related conditions (PMID: 31069529). This variant is not present in population databases (gnomAD no frequency). This sequence change creates a premature translational stop signal (p.Arg179Lysfs*12) in the SURF1 gene. It is expected to result in an absent or disrupted protein product. Loss-of-function variants in SURF1 are known to be pathogenic (PMID: 10443880, 22488715, 24027061).

Kasturba Medical College, Manipal, Kasturba Medical College, Manipal, Manipal Academy of Higher Education, Manipal, India
Classification: Likely pathogenic for Charcot-Marie-Tooth disease type 4K. Review status: criteria provided, single submitter. Criteria: ACMG Guidelines, 2015. Collection method: clinical testing. Allele origin: biparental. Inheritance: Autosomal recessive inheritance. Affected: yes. Observed: 1 homozygote.
Comment: This variant leads to shift in the amino acid reading frame and premature truncation, which may either result in truncated protein or trigger nonsense-mediated mRNA decay. The variant c.535dupA in homozygous state is known to be causative of mitochondrial complex IV deficiency.

Literature cited by the submitters: PubMed 31069529 (cited by Labcorp Genetics (formerly Invitae), Labcorp); PubMed 10443880 (cited by Labcorp Genetics (formerly Invitae), Labcorp); PubMed 22488715 (cited by Labcorp Genetics (formerly Invitae), Labcorp); PubMed 24027061 (cited by Labcorp Genetics (formerly Invitae), Labcorp).